The following is an entry in ClinVar:

ClinVar aggregate classification (germline): Uncertain significance (1 of 4 stars; one submission).

Submission:

ARUP Laboratories, Molecular Genetics and Genomics, ARUP Laboratories
Classification: Uncertain significance. Last evaluated: 2020-04-02. Review status: criteria provided, single submitter. Criteria: ARUP Molecular Germline Variant Investigation Process. Collection method: clinical testing. Allele origin: germline.
Comment: The HBB c.315+73A>G variant, to our knowledge, is not reported in the medical literature or gene specific databases. This variant is also absent from general population databases (Genome Aggregation Database), indicating it is not a common polymorphism. This is an intronic variant in a weakly conserved nucleotide, but computational analyses (Alamut v.2.11) predict that this variant may impact splicing by creating a novel cryptic donor splice site. However, without functional studies the effect on splicing is unknown. Due to limited information, the clinical significance of the c.315+73A>G variant is uncertain at this time.

NM_000518.5(HBB):c.315+73A>G

Genes: HBB (hemoglobin subunit beta; minus strand), LOC107133510 (origin of replication at HBB; plus strand), LOC110006319 (beta-globin gene 3' regulatory region; plus strand). Cytogenetic location: 11p15.4.
Variant type: single nucleotide variant.
Coding change: c.315+73A>G on transcript NM_000518.5 (MANE Select); 73 bases into the intron after coding-DNA position 315, A replaced by G.
Molecular consequence: intron variant.
Genome position (GRCh38, 1-based): chr11:5,226,504, T>C on the plus strand (A>G on the coding strand, the complement: HBB is on the minus strand). VCF-style: chr11-5226504-T-C. GRCh37 (hg19) VCF-style: chr11-5247734-T-C.
Identifiers: ClinVar variation 994209 (VCV000994209.8), dbSNP rs1847548056, ClinGen allele CA1139661793.